The following is an entry in ClinVar:

NM_001367624.2(ZNF469):c.3072C>T (p.Ser1024=)

Gene: ZNF469 (zinc finger protein 469; plus strand). Cytogenetic location: 16q24.2.
Variant type: single nucleotide variant.
Coding change: c.3072C>T on transcript NM_001367624.2 (MANE Select); coding-DNA position 3072, C replaced by T.
Protein change: p.Ser1024=; no amino-acid change (serine 1024 retained).
Molecular consequence: synonymous variant.
Genome position (GRCh38, 1-based): chr16:88,430,542, C>T. VCF-style: chr16-88430542-C-T. GRCh37 (hg19) VCF-style: chr16-88496950-C-T.
Identifiers: ClinVar variation 515531 (VCV000515531.1), dbSNP rs1219175594, ClinGen allele CA497354056.
Genomic context (GRCh38, chr16:88,430,542, plus strand): 5'-CCGCGCAGACCCCGCGCCCCGGGTCCCGAGAGCCGCCGCCCTCCCCGAGGAGACCCGCAG[C>T]TCCCGGCGCCGCCGGCTGCCCCCCAGGAAGGACCCCAGGAAGAGGAAGGCTCGGGGCGGC-3'
Protein context (NP_001354553.1, residues 1014-1034): RAAALPEETR[Ser1024=]SRRRRLPPRK

ClinVar aggregate classification (germline): Likely benign (1 of 4 stars; one submission).

gnomAD v4.1: 3 of 1,467,974 alleles (0.0002%); highest among the groups gnomAD compares: Non-Finnish European, 0.00027%; no homozygotes.

Submission:

GeneDx
Classification: Likely benign. Last evaluated: 2018-02-23. Review status: criteria provided, single submitter. Criteria: GeneDx Variant Classification (06012015). Collection method: clinical testing. Allele origin: germline. Affected: yes.
Comment: This variant is considered likely benign or benign based on one or more of the following criteria: it is a conservative change, it occurs at a poorly conserved position in the protein, it is predicted to be benign by multiple in silico algorithms, and/or has population frequency not consistent with disease.